The following is an entry in ClinVar:

NM_004714.3(DYRK1B):c.1031G>A (p.Arg344His)

Gene: DYRK1B (dual specificity tyrosine phosphorylation regulated kinase 1B; minus strand). Cytogenetic location: 19q13.2.
Variant type: single nucleotide variant.
Coding change: c.1031G>A on transcript NM_004714.3 (MANE Select); coding-DNA position 1031, G replaced by A.
Protein change: p.Arg344His; replaces arginine 344 with histidine.
Molecular consequence: missense variant.
Genome position (GRCh38, 1-based): chr19:39,827,349, C>T on the plus strand (G>A on the coding strand, the complement: DYRK1B is on the minus strand). VCF-style: chr19-39827349-C-T. GRCh37 (hg19) VCF-style: chr19-40317989-C-T.
Other names: c.1031G>A, p.Arg344His (NM_006483.3, NM_006484.3); short protein forms R344H.
Identifiers: ClinVar variation 3351049 (VCV003351049.2).

ClinVar aggregate classification (germline): Uncertain significance (1 of 4 stars; one submission).

Conditions:
DYRK1B-related disorder. Also called: DYRK1B-related condition.

Submission:

PreventionGenetics, part of Exact Sciences
Classification: Uncertain significance for DYRK1B-related condition. Last evaluated: 2026-03-26. Review status: criteria provided, single submitter. Criteria: ACMG Guidelines, 2015. Collection method: clinical testing. Allele origin: germline.
Comment: The DYRK1B c.1031G>A variant is predicted to result in the amino acid substitution p.Arg344His. To our knowledge, this variant has not been reported in the literature. This variant is reported in 0.010% of alleles in individuals of East Asian descent in gnomAD. Although we suspect that this variant may be benign, at this time, the clinical significance of this variant is uncertain due to the absence of conclusive functional and genetic evidence.